The following is an entry in ClinVar:

ClinVar aggregate classification (germline): Pathogenic. Review status: criteria provided, multiple submitters, no conflicts (2 of 4 stars). 6 submissions from 6 submitters: Pathogenic (5). 1 of the submissions does not count toward it. Last evaluated 2025-11-10.
ClinVar aggregate classification (oncogenicity): Oncogenic (1 of 4 stars; one submission).

Conditions:
Cardiovascular phenotype. Identifiers: MedGen CN230736.
Hereditary cancer-predisposing syndrome. Also called: Neoplastic Syndromes, Hereditary; Hereditary Cancer Syndrome; Tumor predisposition; Hereditary neoplastic syndrome. Identifiers: Orphanet 140162, MedGen C0027672, MeSH D009386, MONDO:0015356.
Juvenile myelomonocytic leukemia (JMML). Also called: LEUKEMIA, JUVENILE MYELOMONOCYTIC, SOMATIC. Identifiers: Orphanet 86834, MedGen C0349639, MONDO:0011908, OMIM 607785, HP:0012209.
Neurofibromatosis, type 1 (NF1). Also called: VON RECKLINGHAUSEN DISEASE; NEUROFIBROMATOSIS, TYPE I, SOMATIC; Peripheral type neurofibromatosis; Neurofibromatosis, type I. Identifiers: Orphanet 636, MedGen C0027831, MONDO:0018975, OMIM 162200. Disease mechanism: loss of function.
Neoplasm. Also called: Neoplasms; Neoplasm (disease); tumor. Identifiers: MedGen C0027651, MeSH D009369, MONDO:0005070, HP:0002664.

Submissions (7):

Center for Genomic Medicine, Rigshospitalet, Copenhagen University Hospital
Classification: Oncogenic for Neoplasm. Last evaluated: 2025-12-29. Review status: criteria provided, single submitter. Criteria: ClinGen/CGC/VICC Guidelines for Oncogenicity, 2022. Collection method: clinical testing. Allele origin: somatic. Affected: yes.

Ambry Genetics
Classification: Pathogenic for Cardiovascular phenotype; Hereditary cancer-predisposing syndrome. Last evaluated: 2025-11-10. Review status: criteria provided, single submitter. Criteria: Ambry Variant Classification Scheme 2023. Collection method: clinical testing. Allele origin: germline.
Comment: The p.W1538* pathogenic mutation (also known as c.4614G>A), located in coding exon 34 of the NF1 gene, results from a G to A substitution at nucleotide position 4614. This changes the amino acid from a tryptophan to a stop codon within coding exon 34. This alteration was identified in 1 individual(s) from a cohort of 521 German and Turkish patients with a clinical diagnosis of neurofibromatosis type I (Fahsold R et al. Am J Hum Genet, 2000 Mar;66:790-818). This variant is considered to be rare based on population cohorts in the Genome Aggregation Database (gnomAD). This alteration is expected to result in loss of function by premature protein truncation or nonsense-mediated mRNA decay. As such, this alteration is interpreted as a disease-causing mutation.

Labcorp Genetics (formerly Invitae), Labcorp
Classification: Pathogenic for Neurofibromatosis, type 1. Last evaluated: 2025-03-01. Review status: criteria provided, single submitter. Criteria: Invitae Variant Classification Sherloc (09022015). Collection method: clinical testing. Allele origin: germline.
Comment: This sequence change creates a premature translational stop signal (p.Trp1538*) in the NF1 gene. It is expected to result in an absent or disrupted protein product. Loss-of-function variants in NF1 are known to be pathogenic (PMID: 10712197, 23913538). This variant is not present in population databases (gnomAD no frequency). This premature translational stop signal has been observed in individual(s) with neurofibromatosis type 1 and with juvenile myelomonocytic leukemia (PMID: 9639526, 10712197). ClinVar contains an entry for this variant (Variation ID: 350). RNA analysis performed to evaluate the impact of this premature translational stop signal on mRNA splicing indicates it does not significantly alter splicing (internal data). For these reasons, this variant has been classified as Pathogenic.

GeneDx
Classification: Pathogenic. Last evaluated: 2023-09-18. Review status: criteria provided, single submitter. Criteria: GeneDx Variant Classification Process June 2021. Collection method: clinical testing. Allele origin: germline. Affected: yes.
Comment: Nonsense variant predicted to result in protein truncation or nonsense mediated decay in a gene for which loss-of-function is a known mechanism of disease; Not observed at significant frequency in large population cohorts (gnomAD); This variant is associated with the following publications: (PMID: 25525159, 9180088, 9042399, 10360836, 10421056, 12872266, 10712197)

Genome-Nilou Lab
Classification: Pathogenic for Neurofibromatosis, type 1. Last evaluated: 2022-03-15. Review status: criteria provided, single submitter. Criteria: ACMG Guidelines, 2015. Collection method: clinical testing. Allele origin: germline. Affected: no.

Center for Human Genetics, Inc
Classification: Pathogenic for Neurofibromatosis, type 1. Last evaluated: 2016-11-01. Review status: criteria provided, single submitter. Criteria: ACMG Guidelines, 2015. Collection method: clinical testing. Allele origin: germline. Affected: yes.

OMIM
Classification: Pathogenic for LEUKEMIA, JUVENILE MYELOMONOCYTIC. Last evaluated: 1997-06-12. Review status: no assertion criteria provided. Collection method: literature only. Allele origin: germline. Not counted in ClinVar's aggregate classification.

Literature cited by the submitters: PubMed 34046057 (cited by Center for Genomic Medicine, Rigshospitalet, Copenhagen University Hospital); PubMed 9639526 (cited by Center for Genomic Medicine, Rigshospitalet, Copenhagen University Hospital and Labcorp Genetics (formerly Invitae), Labcorp); PubMed 10712197 (cited by 3 submitters); PubMed 23913538 (cited by Labcorp Genetics (formerly Invitae), Labcorp); PubMed 9180088 (cited by OMIM).

NM_001042492.3(NF1):c.4677G>A (p.Trp1559Ter)

Gene: NF1 (neurofibromin 1; plus strand). Cytogenetic location: 17q11.2.
Variant type: single nucleotide variant.
Coding change: c.4677G>A on transcript NM_001042492.3 (MANE Select); coding-DNA position 4677, G replaced by A.
Protein change: p.Trp1559Ter; replaces tryptophan 1559 with a stop codon.
Molecular consequence: nonsense.
Genome position (GRCh38, 1-based): chr17:31,261,810, G>A. VCF-style: chr17-31261810-G-A. GRCh37 (hg19) VCF-style: chr17-29588828-G-A.
Other names: c.4614G>A, p.Trp1538Ter (NM_000267.4); short protein forms W1538*, W1559*.
Identifiers: ClinVar variation 350 (VCV000000350.13), dbSNP rs137854555, ClinGen allele CA114180.